The following is an entry in ClinVar:

NM_001376.5(DYNC1H1):c.6044T>C (p.Phe2015Ser)

Gene: DYNC1H1 (dynein cytoplasmic 1 heavy chain 1; plus strand). Cytogenetic location: 14q32.31.
Variant type: single nucleotide variant.
Coding change: c.6044T>C on transcript NM_001376.5 (MANE Select); coding-DNA position 6044, T replaced by C.
Protein change: p.Phe2015Ser; replaces phenylalanine 2015 with serine.
Molecular consequence: missense variant.
Genome position (GRCh38, 1-based): chr14:102,009,909, T>C. VCF-style: chr14-102009909-T-C. GRCh37 (hg19) VCF-style: chr14-102476246-T-C.
Other names: short protein forms F2015S.
Identifiers: ClinVar variation 839564 (VCV000839564.9), dbSNP rs2048239365, ClinGen allele CA391052753.

ClinVar aggregate classification (germline): Uncertain significance (1 of 4 stars; one submission).

Conditions:
Charcot-Marie-Tooth disease axonal type 2O. Also called: CHARCOT-MARIE-TOOTH NEUROPATHY, AXONAL, TYPE 2O; CHARCOT-MARIE-TOOTH DISEASE, AXONAL, AUTOSOMAL DOMINANT, TYPE 2O; Charcot-Marie-Tooth disease, axonal, type 20; Charcot-Marie-Tooth Neuropathy Type 2O. Identifiers: Orphanet 284232, MedGen C3280220, MONDO:0013644, OMIM 614228.

Submission:

Labcorp Genetics (formerly Invitae), Labcorp
Classification: Uncertain significance for Charcot-Marie-Tooth disease axonal type 2O. Last evaluated: 2019-02-11. Review status: criteria provided, single submitter. Criteria: Invitae Variant Classification Sherloc (09022015). Collection method: clinical testing. Allele origin: germline.
Comment: In summary, the available evidence is currently insufficient to determine the role of this variant in disease. Therefore, it has been classified as a Variant of Uncertain Significance. Algorithms developed to predict the effect of missense changes on protein structure and function are either unavailable or do not agree on the potential impact of this missense change (SIFT: "Deleterious"; PolyPhen-2: "Probably Damaging"; Align-GVGD: "Class C0"). This variant has not been reported in the literature in individuals with DYNC1H1-related conditions. This variant is not present in population databases (ExAC no frequency). This sequence change replaces phenylalanine with serine at codon 2015 of the DYNC1H1 protein (p.Phe2015Ser). The phenylalanine residue is highly conserved and there is a large physicochemical difference between phenylalanine and serine.